The following is an entry in ClinVar:

ClinVar aggregate classification (germline): Uncertain significance (1 of 4 stars; one submission).

Submission:

Ambry Genetics
Classification: Uncertain significance. Last evaluated: 2021-08-24. Review status: criteria provided, single submitter. Criteria: Ambry Variant Classification Scheme 2023. Collection method: clinical testing. Allele origin: germline.
Comment: The p.I895M variant (also known as c.2685C>G), located in coding exon 22 of the BUB1 gene, results from a C to G substitution at nucleotide position 2685. The isoleucine at codon 895 is replaced by methionine, an amino acid with highly similar properties. This amino acid position is conserved. In addition, this alteration is predicted to be tolerated by in silico analysis. Since supporting evidence is limited at this time, the clinical significance of this alteration remains unclear.

NM_004336.5(BUB1):c.2685C>G (p.Ile895Met)

Gene: BUB1 (BUB1 mitotic checkpoint serine/threonine kinase; minus strand). Cytogenetic location: 2q13.
Variant type: single nucleotide variant.
Coding change: c.2685C>G on transcript NM_004336.5 (MANE Select); coding-DNA position 2685, C replaced by G.
Protein change: p.Ile895Met; replaces isoleucine 895 with methionine.
Molecular consequence: missense variant. On other transcripts: intron variant (1).
Genome position (GRCh38, 1-based): chr2:110,641,405, G>C on the plus strand (C>G on the coding strand, the complement: BUB1 is on the minus strand). VCF-style: chr2-110641405-G-C. GRCh37 (hg19) VCF-style: chr2-111398982-G-C.
Other names: c.2625C>G, p.Ile875Met (NM_001278616.2); c.2626-213C>G (NM_001278617.2); short protein forms I875M, I895M.
Identifiers: ClinVar variation 1794713 (VCV001794713.2), dbSNP rs2467971187, ClinGen allele CA348089796.